The following is an entry in ClinVar:

ClinVar aggregate classification (germline): Benign. Review status: criteria provided, multiple submitters, no conflicts (2 of 4 stars). 2 submissions from 2 submitters: Benign (2). Last evaluated 2018-01-13.

Conditions:
Atypical hemolytic-uremic syndrome with thrombomodulin anomaly. Also called: HEMOLYTIC UREMIC SYNDROME, ATYPICAL, SUSCEPTIBILITY TO, 6; AHUS, SUSCEPTIBILITY TO, 6. Identifiers: MedGen C2752036, MONDO:0013044, OMIM 612926. Disease mechanism: gain of function.

Allele frequency attached by ClinVar (database versions not stated): 1000 Genomes Project 30x 0.00500; gnomAD 0.00660 and 0.00668; 1000 Genomes Project 0.00439; gnomAD exomes 0.00725; TOPMed 0.00677.

Submissions (2):

Illumina Laboratory Services, Illumina
Classification: Benign for Atypical hemolytic-uremic syndrome with thrombomodulin anomaly. Last evaluated: 2018-01-13. Review status: criteria provided, single submitter. Criteria: ICSL Variant Classification Criteria 13 December 2019. Collection method: clinical testing. Allele origin: germline.
Comment: This variant was observed in the ICSL laboratory as part of a predisposition screen in an ostensibly healthy population. It had not been previously curated by ICSL or reported in the Human Gene Mutation Database (HGMD: prior to June 1st, 2018), and was therefore a candidate for classification through an automated scoring system. Utilizing variant allele frequency, disease prevalence and penetrance estimates, and inheritance mode, an automated score was calculated to assess if this variant is too frequent to cause the disease. Based on the score and internal cut-off values, a variant classified as benign is not then subjected to further curation. The score for this variant resulted in a classification of benign for this disease.

Breakthrough Genomics
Classification: Benign. Review status: criteria provided, single submitter. Criteria: ACMG Guidelines, 2015. Collection method: not provided. Allele origin: germline. Inheritance: Autosomal dominant inheritance. Affected: yes.

NM_000361.3(THBD):c.*321G>T

Gene: THBD (thrombomodulin; minus strand). Cytogenetic location: 20p11.21.
Variant type: single nucleotide variant.
Coding change: c.*321G>T on transcript NM_000361.3 (MANE Select); 321 bases downstream of the stop codon, G replaced by T.
Molecular consequence: 3 prime UTR variant.
Genome position (GRCh38, 1-based): chr20:23,047,456, C>A on the plus strand (G>T on the coding strand, the complement: THBD is on the minus strand). VCF-style: chr20-23047456-C-A. GRCh37 (hg19) VCF-style: chr20-23028093-C-A.
Identifiers: ClinVar variation 337874 (VCV000337874.6), dbSNP rs56354707, ClinGen allele CA10652996.
Genomic context (GRCh38, chr20:23,047,456, plus strand): 5'-AAACCTAAATACTTAAAAAAAATAAATATTTTAGTCATCCCTAGCCCACGAGGTCAAGGT[C>A]TGCCCAGAAGGCTGCCGACCAATAACGCTCACCCTCCTGCGCCCGGTAGTGAGGACCTGG-3'